The following is an entry in ClinVar:

NM_000361.3(THBD):c.563C>T (p.Ala188Val)

Gene: THBD (thrombomodulin; minus strand). Cytogenetic location: 20p11.21.
Variant type: single nucleotide variant.
Coding change: c.563C>T on transcript NM_000361.3 (MANE Select); coding-DNA position 563, C replaced by T.
Protein change: p.Ala188Val; replaces alanine 188 with valine.
Molecular consequence: missense variant.
Genome position (GRCh38, 1-based): chr20:23,048,942, G>A on the plus strand (C>T on the coding strand, the complement: THBD is on the minus strand). VCF-style: chr20-23048942-G-A. GRCh37 (hg19) VCF-style: chr20-23029579-G-A.
Other names: short protein forms A188V.
Identifiers: ClinVar variation 4055788 (VCV004055788.1).

ClinVar aggregate classification (germline): Uncertain significance (1 of 4 stars; one submission).

Submission:

GeneDx
Classification: Uncertain significance. Last evaluated: 2025-01-06. Review status: criteria provided, single submitter. Criteria: GeneDx Variant Classification Process June 2021. Collection method: clinical testing. Allele origin: germline. Affected: yes.
Comment: Not observed at significant frequency in large population cohorts (gnomAD); In silico analysis indicates that this missense variant does not alter protein structure/function; Has not been previously published as pathogenic or benign to our knowledge